The following is an entry in ClinVar:

NM_003835.4(RGS9):c.305G>T (p.Arg102Ile)

Gene: RGS9 (regulator of G protein signaling 9; plus strand). Cytogenetic location: 17q24.1.
Variant type: single nucleotide variant.
Coding change: c.305G>T on transcript NM_003835.4 (MANE Select); coding-DNA position 305, G replaced by T.
Protein change: p.Arg102Ile; replaces arginine 102 with isoleucine.
Molecular consequence: missense variant.
Genome position (GRCh38, 1-based): chr17:65,160,332, G>T. VCF-style: chr17-65160332-G-T. GRCh37 (hg19) VCF-style: chr17-63156450-G-T.
Other names: c.305G>T, p.Arg102Ile (NM_001081955.3, NM_001165933.2); short protein forms R102I.
Identifiers: ClinVar variation 1393572 (VCV001393572.3), dbSNP rs377377842, ClinGen allele CA8717583.

ClinVar aggregate classification (germline): Uncertain significance (1 of 4 stars; one submission).

Allele frequency attached by ClinVar (database versions not stated): gnomAD exomes below 0.00001; TOPMed below 0.00001; ExAC 0.00001; gnomAD 0.00001; ESP Exome Variant Server 0.00008.
gnomAD v4.1: 2 of 1,612,958 alleles (0.00012%); highest among the groups gnomAD compares: African/African-American, 0.0013%; no homozygotes.

Submission:

Labcorp Genetics (formerly Invitae), Labcorp
Classification: Uncertain significance. Last evaluated: 2021-11-15. Review status: criteria provided, single submitter. Criteria: Invitae Variant Classification Sherloc (09022015). Collection method: clinical testing. Allele origin: germline.
Comment: This sequence change replaces arginine, which is basic and polar, with isoleucine, which is neutral and non-polar, at codon 102 of the RGS9 protein (p.Arg102Ile). This variant is present in population databases (rs377377842, gnomAD 0.0009%). This variant has not been reported in the literature in individuals affected with RGS9-related conditions. Algorithms developed to predict the effect of missense changes on protein structure and function are either unavailable or do not agree on the potential impact of this missense change (SIFT: "Deleterious"; PolyPhen-2: "Probably Damaging"; Align-GVGD: "Class C0"). In summary, the available evidence is currently insufficient to determine the role of this variant in disease. Therefore, it has been classified as a Variant of Uncertain Significance.